The following is an entry in ClinVar:

ClinVar aggregate classification (germline): Uncertain significance (1 of 4 stars; one submission).

Conditions:
Aortic aneurysm, familial thoracic 7 (AAT7). Also called: AORTIC DISSECTION, FAMILIAL, WITH OR WITHOUT AORTIC ANEURYSM. Identifiers: MedGen C3151077, MONDO:0013418, OMIM 613780.

Submission:

Labcorp Genetics (formerly Invitae), Labcorp
Classification: Uncertain significance for Aortic aneurysm, familial thoracic 7. Last evaluated: 2023-04-16. Review status: criteria provided, single submitter. Criteria: Invitae Variant Classification Sherloc (09022015). Collection method: clinical testing. Allele origin: germline.
Comment: In summary, the available evidence is currently insufficient to determine the role of this variant in disease. Therefore, it has been classified as a Variant of Uncertain Significance. Advanced modeling of protein sequence and biophysical properties (such as structural, functional, and spatial information, amino acid conservation, physicochemical variation, residue mobility, and thermodynamic stability) performed at Invitae indicates that this missense variant is not expected to disrupt MYLK protein function. This variant has not been reported in the literature in individuals affected with MYLK-related conditions. This variant is not present in population databases (gnomAD no frequency). This sequence change replaces valine, which is neutral and non-polar, with methionine, which is neutral and non-polar, at codon 171 of the MYLK protein (p.Val171Met).

NM_053025.4(MYLK):c.511G>A (p.Val171Met)

Gene: MYLK (myosin light chain kinase; minus strand). Cytogenetic location: 3q21.1.
Variant type: single nucleotide variant.
Coding change: c.511G>A on transcript NM_053025.4 (MANE Select); coding-DNA position 511, G replaced by A.
Protein change: p.Val171Met; replaces valine 171 with methionine.
Molecular consequence: missense variant. On other transcripts: 5 prime UTR variant (1).
Genome position (GRCh38, 1-based): chr3:123,738,974, C>T on the plus strand (G>A on the coding strand, the complement: MYLK is on the minus strand). VCF-style: chr3-123738974-C-T. GRCh37 (hg19) VCF-style: chr3-123457821-C-T.
Other names: c.-18G>A (NM_001321309.2); c.511G>A, p.Val171Met (NM_053026.4, NM_053027.4, NM_053028.4); short protein forms V171M.
Identifiers: ClinVar variation 2976318 (VCV002976318.3), dbSNP rs1560156097, ClinGen allele CA354241837.